The following is an entry in ClinVar:

ClinVar aggregate classification (germline): Uncertain significance (1 of 4 stars; one submission).

Conditions:
Tuberous sclerosis 2 (TSC2). Identifiers: Orphanet 805, MedGen C1860707, MONDO:0013199, OMIM 613254.

Submission:

Labcorp Genetics (formerly Invitae), Labcorp
Classification: Uncertain significance for Tuberous sclerosis 2. Last evaluated: 2026-01-03. Review status: criteria provided, single submitter. Criteria: Invitae Variant Classification Sherloc (09022015). Collection method: clinical testing. Allele origin: germline.
Comment: This sequence change replaces methionine, which is neutral and non-polar, with lysine, which is basic and polar, at codon 60 of the TSC2 protein (p.Met60Lys). This variant is not present in population databases (gnomAD no frequency). This variant has not been reported in the literature in individuals affected with TSC2-related conditions. Invitae Evidence Modeling of protein sequence and biophysical properties (such as structural, functional, and spatial information, amino acid conservation, physicochemical variation, residue mobility, and thermodynamic stability) indicates that this missense variant is not expected to disrupt TSC2 protein function with a negative predictive value of 95%. In summary, the available evidence is currently insufficient to determine the role of this variant in disease. Therefore, it has been classified as a Variant of Uncertain Significance.

NM_000548.5(TSC2):c.179T>A (p.Met60Lys)

Gene: TSC2 (TSC complex subunit 2; plus strand). Cytogenetic location: 16p13.3.
Variant type: single nucleotide variant.
Coding change: c.179T>A on transcript NM_000548.5 (MANE Select); coding-DNA position 179, T replaced by A.
Protein change: p.Met60Lys; replaces methionine 60 with lysine.
Molecular consequence: missense variant. On other transcripts: 5 prime UTR variant (20), non-coding transcript variant (5).
Genome position (GRCh38, 1-based): chr16:2,050,440, T>A. VCF-style: chr16-2050440-T-A. GRCh37 (hg19) VCF-style: chr16-2100441-T-A.
Other names: c.179T>A, p.Met60Lys (NM_001077183.3, NM_001114382.3, NM_001318827.2 and 13 more transcripts); c.32T>A, p.Met11Lys (NM_001318829.2, NM_001406675.1, NM_001406676.1 and 2 more transcripts); c.-48T>A (NM_001318831.2, NM_001406682.1, NM_001406684.1 and 3 more transcripts); c.212T>A, p.Met71Lys (NM_001318832.2); c.-638T>A (NM_001406680.1, NM_001406683.1, NM_001406687.1); c.-267T>A (NM_001406681.1); c.-1253T>A (NM_001406689.1, NM_001406690.1, NM_001406691.1 and 2 more transcripts); c.-1559T>A (NM_001406693.1); and 3 more; short protein forms M11K, M60K, M71K.
Identifiers: ClinVar variation 4802829 (VCV004802829.1).